The following is an entry in ClinVar:

ClinVar aggregate classification (germline): Uncertain significance (1 of 4 stars; one submission).

Conditions:
Wilms tumor 1 (WT1). Also called: Wilms tumor, somatic. Identifiers: Orphanet 654, MedGen CN033288, MONDO:0008679, OMIM 194070.

Submissions (2):

Labcorp Genetics (formerly Invitae), Labcorp
Classification: Uncertain significance for Wilms tumor 1. Last evaluated: 2023-07-28. Review status: criteria provided, single submitter. Criteria: Invitae Variant Classification Sherloc (09022015). Collection method: clinical testing. Allele origin: germline.
Comment: In summary, the available evidence is currently insufficient to determine the role of this variant in disease. Therefore, it has been classified as a Variant of Uncertain Significance. Advanced modeling of protein sequence and biophysical properties (such as structural, functional, and spatial information, amino acid conservation, physicochemical variation, residue mobility, and thermodynamic stability) performed at Invitae indicates that this missense variant is expected to disrupt GPC3 protein function. This variant has not been reported in the literature in individuals affected with GPC3-related conditions. This variant is not present in population databases (gnomAD no frequency). This sequence change replaces aspartic acid, which is acidic and polar, with valine, which is neutral and non-polar, at codon 251 of the GPC3 protein (p.Asp251Val).

Dr. Peter K. Rogan Lab, Western University
No classification provided (evidence only). Condition: Nonpapillary renal cell carcinoma. Review status: no classification provided. Collection method: in vitro. Allele origin: not applicable. Functional consequence: retained intron. Not counted in ClinVar's aggregate classification.

NM_004484.4(GPC3):c.752A>T (p.Asp251Val)

Gene: GPC3 (glypican 3; minus strand). Cytogenetic location: Xq26.2.
Variant type: single nucleotide variant.
Coding change: c.752A>T on transcript NM_004484.4 (MANE Select); coding-DNA position 752, A replaced by T.
Protein change: p.Asp251Val; replaces aspartic acid 251 with valine.
Molecular consequence: missense variant.
Genome position (GRCh38, 1-based): chrX:133,753,762, T>A on the plus strand (A>T on the coding strand, the complement: GPC3 is on the minus strand). VCF-style: chrX-133753762-T-A. GRCh37 (hg19) VCF-style: chrX-132887789-T-A.
Other names: c.752A>T, p.Asp251Val (NM_001164617.2); c.704A>T, p.Asp235Val (NM_001164618.2); c.590A>T, p.Asp197Val (NM_001164619.2); short protein forms D235V, D197V, D251V.
Identifiers: ClinVar variation 2999702 (VCV002999702.4), dbSNP rs2521355242, ClinGen allele CA414705930.
Genomic context (GRCh38, chrX:133,753,762, plus strand): 5'-ACCATCATCAGTCCCTGGCAGTAAGAGCAGTACCACATTCTGGTGAGCATTCGGCCACAG[T>A]CCTTACTGAACTTCAGGTGATCAGTTGTGTTGATCACTTCAATTCCAAGATTCAGAGCCT-3'
Protein context (NP_004475.1, residues 241-261): NTTDHLKFSK[Asp251Val]CGRMLTRMWY